The following is an entry in ClinVar:

ClinVar aggregate classification (germline): Pathogenic. Review status: criteria provided, multiple submitters, no conflicts (2 of 4 stars). 2 submissions from 2 submitters: Pathogenic (2). Last evaluated 2026-03-28.

Conditions:
Tay-Sachs disease (TSD). Also called: HEXA DEFICIENCY; Hexosaminidase A Deficiency; GM2 gangliosidosis, type 1; Hexosaminidase alpha-subunit deficiency (variant B); Sphingolipidosis, Tay-Sachs; HEXA Disorders. Identifiers: Orphanet 845, MedGen C0039373, MONDO:0010100, OMIM 272800.

Submissions (2):

Myriad Genetics, Inc.
Classification: Pathogenic for Tay-Sachs disease. Last evaluated: 2026-03-28. Review status: criteria provided, single submitter. Criteria: Myriad Autosomal Dominant, Autosomal Recessive and X-Linked Classification Criteria (2023). Collection method: clinical testing. Allele origin: unknown.
Comment: NM_000520.4(HEXA):c.1338delT(E447Sfs*6) is expected to be pathogenic in the context of hexosaminidase A deficiency. This variant is predicted to lead to an abnormal or absent protein product due to the creation of a premature termination codon in HEXA, a gene where loss-of-function variants are known to be pathogenic. Please note: this variant was assessed in the context of healthy population screening.

Labcorp Genetics (formerly Invitae), Labcorp
Classification: Pathogenic for Tay-Sachs disease. Last evaluated: 2023-07-29. Review status: criteria provided, single submitter. Criteria: Invitae Variant Classification Sherloc (09022015). Collection method: clinical testing. Allele origin: germline.
Comment: This sequence change creates a premature translational stop signal (p.Glu447Serfs*6) in the HEXA gene. It is expected to result in an absent or disrupted protein product. Loss-of-function variants in HEXA are known to be pathogenic (PMID: 1833974, 8490625). This variant is not present in population databases (gnomAD no frequency). This variant has not been reported in the literature in individuals affected with HEXA-related conditions. For these reasons, this variant has been classified as Pathogenic.

Literature cited by the submitters: PubMed 1833974 (cited by Labcorp Genetics (formerly Invitae), Labcorp); PubMed 8490625 (cited by Labcorp Genetics (formerly Invitae), Labcorp).

NM_000520.6(HEXA):c.1338del (p.Glu447fs)

Gene: HEXA (hexosaminidase subunit alpha; minus strand). Cytogenetic location: 15q23.
Variant type: Deletion.
Coding change: c.1338del on transcript NM_000520.6 (MANE Select); coding-DNA position 1338, one base deleted (T; older notation c.1338delT).
Protein change: p.Glu447fs; shifts the reading frame from glutamic acid 447.
Molecular consequence: frameshift variant. On other transcripts: non-coding transcript variant (1).
Genome position (GRCh38, 1-based): chr15:72,346,318, A deleted on the plus strand (T on the coding strand, the reverse complement: HEXA is on the minus strand). VCF-style (leftmost placement, unchanged base first): chr15-72346317-CA-C. GRCh37 (hg19) VCF-style: chr15-72638658-CA-C.
Other names: c.1371del, p.Glu458fs (NM_001318825.2); short protein forms E458fs, E447fs.
Identifiers: ClinVar variation 2748168 (VCV002748168.4), dbSNP rs2542512987, ClinGen allele CA2697549196.
Genomic context (GRCh38, chr15:72,346,317, plus strand): 5'-TGTTGTCCACATATTCTCCCCACATACAAGCCTCTCCACCAATCACCAGAGCCTTCTGCT[CA>C]GGGGTACCTGAGGGAAAACAAGCAACAACAGTCTGGTGATGGTGGGGTAACTCCAGGGTC-3'